The following is an entry in ClinVar:

NM_020686.6(ABAT):c.603+1G>A

Gene: ABAT (4-aminobutyrate aminotransferase; plus strand). Cytogenetic location: 16p13.2.
Variant type: single nucleotide variant.
Coding change: c.603+1G>A on transcript NM_020686.6 (MANE Select); the canonical splice donor site of the intron after coding-DNA position 603, G replaced by A.
Molecular consequence: splice donor variant. On other transcripts: intron variant (4).
Genome position (GRCh38, 1-based): chr16:8,766,271, G>A. VCF-style: chr16-8766271-G-A. GRCh37 (hg19) VCF-style: chr16-8860128-G-A.
Other names: c.603+1G>A (NM_001386602.1, NM_001386609.1, NM_001386605.1 and 7 more transcripts); c.699+1G>A (NM_001386615.1); c.540+1441G>A (NM_001386607.1, NM_001386606.1); c.510+1G>A (NM_001386608.1); c.468+1G>A (NM_001386610.1, NM_001386611.1); c.357+1G>A (NM_001386614.1); c.405+1441G>A (NM_001386612.1, NM_001386613.1).
Identifiers: ClinVar variation 1507444 (VCV001507444.8), dbSNP rs2142947295, ClinGen allele CA394688676.

ClinVar aggregate classification (germline): Likely pathogenic (1 of 4 stars; one submission).

Conditions:
Gamma-aminobutyric acid transaminase deficiency (GABATD). Also called: GABA aminotransaminase deficiency; GABA transaminase deficiency; Gamma aminobutyrate transaminase deficiency; 4 alpha aminobutyrate transaminase deficiency. Identifiers: Orphanet 2066, MedGen C0342708, MONDO:0013166, OMIM 613163.

Submission:

Labcorp Genetics (formerly Invitae), Labcorp
Classification: Likely pathogenic for Gamma-aminobutyric acid transaminase deficiency. Last evaluated: 2020-11-10. Review status: criteria provided, single submitter. Criteria: Invitae Variant Classification Sherloc (09022015). Collection method: clinical testing. Allele origin: germline.
Comment: This variant is not present in population databases (ExAC no frequency). This sequence change affects a donor splice site in intron 9 of the ABAT gene. It is expected to disrupt RNA splicing. Variants that disrupt the donor or acceptor splice site typically lead to a loss of protein function (PMID: 16199547), and loss-of-function variants in ABAT are known to be pathogenic (PMID: 20052547, 25738457). This variant has not been reported in the literature in individuals with ABAT-related conditions. Algorithms developed to predict the effect of sequence changes on RNA splicing suggest that this variant may disrupt the consensus splice site, but this prediction has not been confirmed by published transcriptional studies. In summary, the currently available evidence indicates that the variant is pathogenic, but additional data are needed to prove that conclusively. Therefore, this variant has been classified as Likely Pathogenic.

Literature cited by the submitters: PubMed 16199547; PubMed 20052547; PubMed 25738457.